The following is an entry in ClinVar:

ClinVar aggregate classification (germline): Uncertain significance (1 of 4 stars; one submission).

Submission:

Labcorp Genetics (formerly Invitae), Labcorp
Classification: Uncertain significance. Last evaluated: 2022-09-15. Review status: criteria provided, single submitter. Criteria: Invitae Variant Classification Sherloc (09022015). Collection method: clinical testing. Allele origin: germline.
Comment: This sequence change replaces leucine, which is neutral and non-polar, with methionine, which is neutral and non-polar, at codon 801 of the ADGRA3 protein (p.Leu801Met). This variant is not present in population databases (gnomAD no frequency). This variant has not been reported in the literature in individuals affected with ADGRA3-related conditions. Algorithms developed to predict the effect of missense changes on protein structure and function are either unavailable or do not agree on the potential impact of this missense change (SIFT: "Tolerated"; PolyPhen-2: "Probably Damaging"; Align-GVGD: "Class C0"). In summary, the available evidence is currently insufficient to determine the role of this variant in disease. Therefore, it has been classified as a Variant of Uncertain Significance.

NM_145290.4(ADGRA3):c.2401T>A (p.Leu801Met)

Gene: ADGRA3 (adhesion G protein-coupled receptor A3; minus strand). Cytogenetic location: 4p15.2.
Variant type: single nucleotide variant.
Coding change: c.2401T>A on transcript NM_145290.4 (MANE Select); coding-DNA position 2401, T replaced by A.
Protein change: p.Leu801Met; replaces leucine 801 with methionine.
Molecular consequence: missense variant.
Genome position (GRCh38, 1-based): chr4:22,401,511, A>T on the plus strand (T>A on the coding strand, the complement: ADGRA3 is on the minus strand). VCF-style: chr4-22401511-A-T. GRCh37 (hg19) VCF-style: chr4-22403134-A-T.
Other names: short protein forms L801M.
Identifiers: ClinVar variation 2032677 (VCV002032677.4), dbSNP rs1714646888, ClinGen allele CA356476941.
Genomic context (GRCh38, chr4:22,401,511, plus strand): 5'-TCCTAGTCTGGGTTATTCCTCCCACAAAGACCACACAGGTTAGGAAAATATGAAAGCACA[A>T]GTTCACAAGCATGTGCCAGCTCTTGAGGCTGATTCTAATCAAACTGTTTAAAAAAGAGAG-3'
Protein context (NP_660333.2, residues 791-811): SLKSWHMLVN[Leu801Met]CFHIFLTCVV